The following is an entry in ClinVar:

ClinVar aggregate classification (germline): Conflicting classifications of pathogenicity. Review status: criteria provided, conflicting classifications (1 of 4 stars). 11 submissions from 11 submitters: Uncertain significance (1); Benign (2); Likely benign (6). 2 of the submissions do not count toward it. Last evaluated 2025-06-18.

Conditions:
Polycystic kidney disease, adult type (PKD1). Also called: Polycystic Kidney, Autosomal Dominant; POLYCYSTIC KIDNEY DISEASE, ADULT, TYPE I; Polycystic Kidney Disease 1, Autosomal Dominant; Polycystic kidney disease 1; Polycystic kidney disease 1, severe; POLYCYSTIC KIDNEY DISEASE 1 WITH OR WITHOUT POLYCYSTIC LIVER DISEASE. Identifiers: MedGen C3149841, MONDO:0008263, OMIM 173900.
Inborn genetic diseases. Identifiers: MedGen C0950123, MeSH D030342.

Allele frequency attached by ClinVar (database versions not stated): ExAC 0.00063; gnomAD exomes 0.00069; TOPMed 0.00070; 1000 Genomes Project 0.00080; 1000 Genomes Project 30x 0.00094.
gnomAD v4.1: 2,170 of 1,605,044 alleles (0.14%); highest among the groups gnomAD compares: Non-Finnish European, 0.17%; 2 homozygotes.

Submissions (11):

Women's Health and Genetics/Laboratory Corporation of America, LabCorp
Classification: Likely benign. Last evaluated: 2025-06-18. Review status: criteria provided, single submitter. Criteria: LabCorp Variant Classification Summary - May 2015. Collection method: clinical testing. Allele origin: germline.
Comment: Variant summary: PKD1 c.8200C>A (p.Pro2734Thr) results in a non-conservative amino acid change in the encoded protein sequence. Algorithms developed to predict the effect of missense changes on protein structure and function are either unavailable or do not agree on the potential impact of this missense change. The variant allele was found at a frequency of 0.0014 in 1599728 control chromosomes, predominantly at a frequency of 0.0017 within the Non-Finnish European subpopulation in the gnomAD database, including 2 homozygotes. The observed variant frequency within Non-Finnish European control individuals in the gnomAD database is approximately 3.4-fold of the estimated maximal expected allele frequency for a pathogenic variant in PKD1 causing Polycystic Kidney Disease 1 phenotype (0.0005). Of note however, variant co-occurrence analysis in gnomAD indicates that two neighboring missense variants, i.e. c.8200C>A (p.Pro2734Thr) and c.8204A>T (p.Gln2735Leu), are on the same haplotype in most individuals. The two neighboring missense variants, c.8200C>A (p.Pro2734Thr) and c.8204A>T (p.Gln2735Leu), were also reported together in individuals affected with Polycystic Kidney Disease 1 (Rossetti_2001, Garcia Gonzalez_2007), however both variants were considered to be polymorphisms, in addition, one of these studies specified a co-occurrence with a likely pathogenic variant which could explain the phenotype (Garcia Gonzalez_2007). To our knowledge, no experimental evidence demonstrating an impact on protein function has been reported. The following publications have been ascertained in the context of this evaluation (PMID: 11115377, 17574468). ClinVar contains an entry for this variant (Variation ID: 994411). Based on the evidence outlined above, the variant was classified as likely benign.

Laboratory of Genetics, Children's Clinical University Hospital Latvia
Classification: Likely benign. Last evaluated: 2025-02-16. Review status: criteria provided, single submitter. Criteria: ACMG Guidelines, 2015. Collection method: clinical testing. Allele origin: germline. Affected: yes.

CeGaT Center for Human Genetics Tuebingen
Classification: Benign. Last evaluated: 2024-12-01. Review status: criteria provided, single submitter. Criteria: CeGaT Center For Human Genetics Tuebingen Variant Classification Criteria Version 2. Collection method: clinical testing. Allele origin: germline. Affected: yes. Observed: 6 variant alleles.
Comment: PKD1: BP4, BS1, BS2

Mayo Clinic Laboratories, Mayo Clinic
Classification: Likely benign. Last evaluated: 2024-11-27. Review status: criteria provided, single submitter. Criteria: ACMG Guidelines, 2015. Collection method: clinical testing. Allele origin: germline. Observed: 4 variant alleles.
Comment: BS1, BP4

Blueprint Genetics
Classification: Likely benign. Last evaluated: 2024-10-09. Review status: criteria provided, single submitter. Criteria: ACMG Guidelines, 2015. Collection method: clinical testing. Allele origin: germline.

Department of Pathology and Laboratory Medicine, Sinai Health System
Classification: Likely benign for Polycystic kidney disease, adult type. Last evaluated: 2022-02-08. Review status: criteria provided, single submitter. Criteria: ACMG Guidelines, 2015. Collection method: clinical testing. Allele origin: germline. Affected: yes.

Ambry Genetics
Classification: Uncertain significance for Inborn genetic diseases. Last evaluated: 2021-06-11. Review status: criteria provided, single submitter. Criteria: Ambry Variant Classification Scheme 2023. Collection method: clinical testing. Allele origin: germline.

Athena Diagnostics
Classification: Benign. Last evaluated: 2020-10-27. Review status: criteria provided, single submitter. Criteria: Athena Diagnostics criteria. Collection method: clinical testing. Allele origin: unknown.

ARUP Laboratories, Molecular Genetics and Genomics, ARUP Laboratories
Classification: Likely benign for Polycystic kidney disease, adult type. Last evaluated: 2019-09-06. Review status: criteria provided, single submitter. Criteria: ARUP Molecular Germline Variant Investigation Process. Collection method: clinical testing. Allele origin: germline.

Clinical Genetics DNA and cytogenetics Diagnostics Lab, Erasmus MC, Erasmus Medical Center
Classification: Likely benign. Review status: no assertion criteria provided. Collection method: clinical testing. Allele origin: germline. Affected: yes. Study: VKGL Data-share Consensus. Not counted in ClinVar's aggregate classification.

Genome Diagnostics Laboratory, University Medical Center Utrecht
Classification: Benign. Review status: no assertion criteria provided. Collection method: clinical testing. Allele origin: germline. Affected: yes. Study: VKGL Data-share Consensus. Not counted in ClinVar's aggregate classification.

Literature cited by the submitters: PubMed 11115377 (cited by Women's Health and Genetics/Laboratory Corporation of America, LabCorp and Department of Pathology and Laboratory Medicine, Sinai Health System); PubMed 17574468 (cited by Women's Health and Genetics/Laboratory Corporation of America, LabCorp and Department of Pathology and Laboratory Medicine, Sinai Health System).

NM_001009944.3(PKD1):c.8200C>A (p.Pro2734Thr)

Gene: PKD1 (polycystin 1, transient receptor potential channel interacting; minus strand). Cytogenetic location: 16p13.3.
Variant type: single nucleotide variant.
Coding change: c.8200C>A on transcript NM_001009944.3 (MANE Select); coding-DNA position 8200, C replaced by A.
Protein change: p.Pro2734Thr; replaces proline 2734 with threonine.
Molecular consequence: missense variant.
Genome position (GRCh38, 1-based): chr16:2,103,857, G>T on the plus strand (C>A on the coding strand, the complement: PKD1 is on the minus strand). VCF-style: chr16-2103857-G-T. GRCh37 (hg19) VCF-style: chr16-2153858-G-T.
Other names: p.Pro2734Thr; c.8200C>A, p.Pro2734Thr (NM_000296.4); c.8200C>A (NM_001009944.2); short protein forms P2734T.
Identifiers: ClinVar variation 994411 (VCV000994411.41), dbSNP rs150568356, ClinGen allele CA7830616.